The following is an entry in ClinVar:

ClinVar aggregate classification (germline): Uncertain significance. Review status: criteria provided, multiple submitters, no conflicts (2 of 4 stars). 3 submissions from 3 submitters: Uncertain significance (3). Last evaluated 2023-04-11.

Conditions:
Inborn genetic diseases. Identifiers: MedGen C0950123, MeSH D030342.
Pyridoxine-dependent epilepsy (EPEO4). Also called: Pyridoxine-Dependent Epilepsy - ALDH7A1; EPILEPSY, EARLY-ONSET, 4, VITAMIN B6-DEPENDENT; Pyridoxine-Dependent Seizures; PYRIDOXINE DEPENDENCY WITH SEIZURES. Identifiers: Orphanet 3006, MedGen C1849508, MONDO:0009945, OMIM 266100. Disease mechanism: loss of function.

gnomAD v4.1: 4 of 1,581,296 alleles (0.00025%); highest among the groups gnomAD compares: Non-Finnish European, 0.00034%; no homozygotes.

Submissions (3):

Genome-Nilou Lab
Classification: Uncertain significance for Pyridoxine-dependent epilepsy. Last evaluated: 2023-04-11. Review status: criteria provided, single submitter. Criteria: ACMG Guidelines, 2015. Collection method: clinical testing. Allele origin: germline. Affected: no.

Ambry Genetics
Classification: Uncertain significance for Inborn genetic diseases. Last evaluated: 2022-04-09. Review status: criteria provided, single submitter. Criteria: Ambry Variant Classification Scheme 2023. Collection method: clinical testing. Allele origin: germline.

Labcorp Genetics (formerly Invitae), Labcorp
Classification: Uncertain significance for Pyridoxine-dependent epilepsy. Last evaluated: 2021-08-27. Review status: criteria provided, single submitter. Criteria: Invitae Variant Classification Sherloc (09022015). Collection method: clinical testing. Allele origin: germline.
Comment: This sequence change replaces alanine with proline at codon 27 of the ALDH7A1 protein (p.Ala27Pro). The alanine residue is weakly conserved and there is a small physicochemical difference between alanine and proline. This variant is not present in population databases (ExAC no frequency). This variant has not been reported in the literature in individuals affected with ALDH7A1-related conditions. Algorithms developed to predict the effect of missense changes on protein structure and function (SIFT, PolyPhen-2, Align-GVGD) all suggest that this variant is likely to be tolerated. In summary, the available evidence is currently insufficient to determine the role of this variant in disease. Therefore, it has been classified as a Variant of Uncertain Significance.

NM_001182.5(ALDH7A1):c.79G>C (p.Ala27Pro)

Gene: ALDH7A1 (aldehyde dehydrogenase 7 family member A1; minus strand). Cytogenetic location: 5q23.2.
Variant type: single nucleotide variant.
Coding change: c.79G>C on transcript NM_001182.5 (MANE Select); coding-DNA position 79, G replaced by C.
Protein change: p.Ala27Pro; replaces alanine 27 with proline.
Molecular consequence: missense variant. On other transcripts: 5 prime UTR variant (1).
Genome position (GRCh38, 1-based): chr5:126,595,120, C>G on the plus strand (G>C on the coding strand, the complement: ALDH7A1 is on the minus strand). VCF-style: chr5-126595120-C-G. GRCh37 (hg19) VCF-style: chr5-125930812-C-G.
Other names: c.-6G>C (NM_001201377.2); c.79G>C, p.Ala27Pro (NM_001202404.2); short protein forms A27P.
Identifiers: ClinVar variation 410543 (VCV000410543.9), dbSNP rs1060502950, ClinGen allele CA16611692.